The following is an entry in ClinVar:

NM_130384.3(ATRIP):c.52C>T (p.Pro18Ser)

Genes: ATRIP (ATR interacting protein; plus strand), ATRIP-TREX1 (ATRIP-TREX1 readthrough; plus strand), LOC129936703 (ATAC-STARR-seq lymphoblastoid silent region 14331; plus strand). Cytogenetic location: 3p21.31.
Variant type: single nucleotide variant.
Coding change: c.52C>T on transcript NM_130384.3 (MANE Select); coding-DNA position 52, C replaced by T.
Protein change: p.Pro18Ser; replaces proline 18 with serine.
Molecular consequence: missense variant. On other transcripts: non-coding transcript variant (1), intron variant (1).
Genome position (GRCh38, 1-based): chr3:48,446,897, C>T. VCF-style: chr3-48446897-C-T. GRCh37 (hg19) VCF-style: chr3-48488301-C-T.
Other names: c.52C>T, p.Pro18Ser (NM_032166.4); c.-218+98C>T (NM_001271022.2); short protein forms P18S.
Identifiers: ClinVar variation 3976523 (VCV003976523.1).

ClinVar aggregate classification (germline): Uncertain significance (1 of 4 stars; one submission).

gnomAD v4.1: 1 of 1,390,292 alleles (0.000072%); highest among the groups gnomAD compares: South Asian, 0.0019%; no homozygotes.

Submission:

Ambry Genetics
Classification: Uncertain significance. Last evaluated: 2025-05-09. Review status: criteria provided, single submitter. Criteria: Ambry Variant Classification Scheme 2023. Collection method: clinical testing. Allele origin: germline.
Comment: The p.P18S variant (also known as c.52C>T), located in coding exon 1 of the ATRIP gene, results from a C to T substitution at nucleotide position 52. The proline at codon 18 is replaced by serine, an amino acid with similar properties. This amino acid position is conserved. In addition, this alteration is predicted to be tolerated by in silico analysis. Based on the available evidence, the clinical significance of this variant remains unclear.